The following is an entry in ClinVar:

ClinVar aggregate classification (germline): Benign/Likely benign. Review status: criteria provided, multiple submitters, no conflicts (2 of 4 stars). 4 submissions from 4 submitters: Benign (1); Likely benign (2). 1 of the submissions does not count toward it. Last evaluated 2026-01-05.

Conditions:
Combined oxidative phosphorylation defect type 4. Identifiers: Orphanet 254925, MedGen C1857682, MONDO:0012534, OMIM 610678.
TUFM-related disorder. Also called: TUFM-related condition.

Allele frequency attached by ClinVar (database versions not stated): gnomAD exomes 0.00037; ExAC 0.00045; 1000 Genomes Project 0.00120; 1000 Genomes Project 30x 0.00141; gnomAD 0.00143 and 0.00158; ESP Exome Variant Server 0.00162; TOPMed 0.00176.
gnomAD v4.1: 436 of 1,614,176 alleles (0.027%); highest among the groups gnomAD compares: African/African-American, 0.5%; 3 homozygotes.

Submissions (4):

Labcorp Genetics (formerly Invitae), Labcorp
Classification: Benign. Last evaluated: 2026-01-05. Review status: criteria provided, single submitter. Criteria: Invitae Variant Classification Sherloc (09022015). Collection method: clinical testing. Allele origin: germline.

GeneDx
Classification: Likely benign. Last evaluated: 2021-05-27. Review status: criteria provided, single submitter. Criteria: GeneDx Variant Classification Process June 2021. Collection method: clinical testing. Allele origin: germline. Affected: yes.

Illumina Laboratory Services, Illumina
Classification: Likely benign for Combined oxidative phosphorylation defect type 4. Last evaluated: 2018-01-13. Review status: criteria provided, single submitter. Criteria: ICSL Variant Classification Criteria 13 December 2019. Collection method: clinical testing. Allele origin: germline.
Comment: This variant was observed in the ICSL laboratory as part of a predisposition screen in an ostensibly healthy population. It had not been previously curated by ICSL or reported in the Human Gene Mutation Database (HGMD: prior to June 1st, 2018), and was therefore a candidate for classification through an automated scoring system. Utilizing variant allele frequency, disease prevalence and penetrance estimates, and inheritance mode, an automated score was calculated to assess if this variant is too frequent to cause the disease. Based on the score and internal cut-off values, a variant classified as likely benign is not then subjected to further curation. The score for this variant resulted in a classification of likely benign for this disease.

PreventionGenetics, part of Exact Sciences
Classification: Likely benign for TUFM-related condition. Last evaluated: 2021-03-10. Review status: no assertion criteria provided. Collection method: clinical testing. Allele origin: germline. Not counted in ClinVar's aggregate classification.
Comment: This variant is classified as likely benign based on ACMG/AMP sequence variant interpretation guidelines (Richards et al. 2015 PMID: 25741868, with internal and published modifications).

NM_003321.5(TUFM):c.520-13C>G

Gene: TUFM (Tu translation elongation factor, mitochondrial; minus strand). Cytogenetic location: 16p11.2.
Variant type: single nucleotide variant.
Coding change: c.520-13C>G on transcript NM_003321.5 (MANE Select); 13 bases into the intron before coding-DNA position 520, C replaced by G.
Molecular consequence: intron variant.
Genome position (GRCh38, 1-based): chr16:28,844,875, G>C on the plus strand (C>G on the coding strand, the complement: TUFM is on the minus strand). VCF-style: chr16-28844875-G-C. GRCh37 (hg19) VCF-style: chr16-28856196-G-C.
Other names: c.520-13C>G (NM_001365360.2).
Identifiers: ClinVar variation 318752 (VCV000318752.17), dbSNP rs115691896, ClinGen allele CA7985604.